The following is an entry in ClinVar:

ClinVar aggregate classification (germline): Likely benign. Review status: criteria provided, multiple submitters, no conflicts (2 of 4 stars). 5 submissions from 5 submitters: Likely benign (5). Last evaluated 2025-12-03.

Conditions:
Juvenile myelomonocytic leukemia (JMML). Also called: LEUKEMIA, JUVENILE MYELOMONOCYTIC, SOMATIC. Identifiers: Orphanet 86834, MedGen C0349639, MONDO:0011908, OMIM 607785, HP:0012209.
Cardiovascular phenotype. Identifiers: MedGen CN230736.
RASopathy. Also called: Noonan spectrum disorder; rasopathies. Identifiers: Orphanet 536391, MedGen C5555857, MONDO:0021060.

Allele frequency attached by ClinVar (database versions not stated): gnomAD exomes 0.00001 and 0.00003; gnomAD 0.00009; TOPMed 0.00010.
gnomAD v4.1: 38 of 1,614,088 alleles (0.0024%); highest among the groups gnomAD compares: Admixed American, 0.037%; no homozygotes.

Submissions (5):

Labcorp Genetics (formerly Invitae), Labcorp
Classification: Likely benign for RASopathy. Last evaluated: 2025-12-03. Review status: criteria provided, single submitter. Criteria: Invitae Variant Classification Sherloc (09022015). Collection method: clinical testing. Allele origin: germline.

ARUP Laboratories, Molecular Genetics and Genomics, ARUP Laboratories
Classification: Likely benign. Last evaluated: 2024-02-26. Review status: criteria provided, single submitter. Criteria: ARUP Molecular Germline Variant Investigation Process 2024. Collection method: clinical testing. Allele origin: germline.

KCCC/NGS Laboratory, Kuwait Cancer Control Center
Classification: Likely benign for Juvenile myelomonocytic leukemia. Last evaluated: 2023-07-07. Review status: criteria provided, single submitter. Criteria: ACMG Guidelines, 2015. Collection method: clinical testing. Allele origin: germline. Affected: yes.

Ambry Genetics
Classification: Likely benign for Cardiovascular phenotype. Last evaluated: 2022-11-15. Review status: criteria provided, single submitter. Criteria: Ambry Variant Classification Scheme 2023. Collection method: clinical testing. Allele origin: germline.

GeneDx
Classification: Likely benign. Last evaluated: 2016-01-13. Review status: criteria provided, single submitter. Criteria: GeneDx Variant Classification (06012015). Collection method: clinical testing. Allele origin: germline. Affected: yes.
Comment: This variant is considered likely benign or benign based on one or more of the following criteria: it is a conservative change, it occurs at a poorly conserved position in the protein, it is predicted to be benign by multiple in silico algorithms, and/or has population frequency not consistent with disease.

NM_005188.4(CBL):c.873T>C (p.Tyr291=)

Gene: CBL (Cbl proto-oncogene; plus strand). Cytogenetic location: 11q23.3.
Variant type: single nucleotide variant.
Coding change: c.873T>C on transcript NM_005188.4 (MANE Select); coding-DNA position 873, T replaced by C.
Protein change: p.Tyr291=; no amino-acid change (tyrosine 291 retained).
Molecular consequence: synonymous variant.
Genome position (GRCh38, 1-based): chr11:119,276,000, T>C. VCF-style: chr11-119276000-T-C. GRCh37 (hg19) VCF-style: chr11-119146710-T-C.
Identifiers: ClinVar variation 383007 (VCV000383007.14), dbSNP rs756526812, ClinGen allele CA16606257.